The following is an entry in ClinVar:

ClinVar aggregate classification (germline): Uncertain significance. Review status: criteria provided, multiple submitters, no conflicts (2 of 4 stars). 2 submissions from 2 submitters: Uncertain significance (2). Last evaluated 2024-11-27.

Conditions:
Hereditary cancer-predisposing syndrome. Also called: Neoplastic Syndromes, Hereditary; Hereditary Cancer Syndrome; Tumor predisposition; Hereditary neoplastic syndrome. Identifiers: Orphanet 140162, MedGen C0027672, MeSH D009386, MONDO:0015356.
Hereditary nonpolyposis colorectal neoplasms. Identifiers: MedGen C0009405, MeSH D003123.

Submissions (2):

Ambry Genetics
Classification: Uncertain significance for Hereditary cancer-predisposing syndrome. Last evaluated: 2024-11-27. Review status: criteria provided, single submitter. Criteria: Ambry Variant Classification Scheme 2023. Collection method: clinical testing. Allele origin: germline.
Comment: The p.G864A variant (also known as c.2591G>C), located in coding exon 4 of the MSH6 gene, results from a G to C substitution at nucleotide position 2591. The glycine at codon 864 is replaced by alanine, an amino acid with similar properties. This amino acid position is highly conserved in available vertebrate species. In addition, this alteration is predicted to be deleterious by in silico analysis. Since supporting evidence is limited at this time, the clinical significance of this alteration remains unclear.

Labcorp Genetics (formerly Invitae), Labcorp
Classification: Uncertain significance for Hereditary nonpolyposis colorectal neoplasms. Last evaluated: 2023-10-13. Review status: criteria provided, single submitter. Criteria: Invitae Variant Classification Sherloc (09022015). Collection method: clinical testing. Allele origin: germline.
Comment: This sequence change replaces glycine, which is neutral and non-polar, with alanine, which is neutral and non-polar, at codon 864 of the MSH6 protein (p.Gly864Ala). This variant is not present in population databases (gnomAD no frequency). This variant has not been reported in the literature in individuals affected with MSH6-related conditions. ClinVar contains an entry for this variant (Variation ID: 1474774). Advanced modeling of protein sequence and biophysical properties (such as structural, functional, and spatial information, amino acid conservation, physicochemical variation, residue mobility, and thermodynamic stability) performed at Invitae indicates that this missense variant is not expected to disrupt MSH6 protein function. In summary, the available evidence is currently insufficient to determine the role of this variant in disease. Therefore, it has been classified as a Variant of Uncertain Significance.

NM_000179.3(MSH6):c.2591G>C (p.Gly864Ala)

Gene: MSH6 (mutS homolog 6; plus strand). Cytogenetic location: 2p16.3.
Variant type: single nucleotide variant.
Coding change: c.2591G>C on transcript NM_000179.3 (MANE Select); coding-DNA position 2591, G replaced by C.
Protein change: p.Gly864Ala; replaces glycine 864 with alanine.
Molecular consequence: missense variant.
Genome position (GRCh38, 1-based): chr2:47,800,574, G>C. VCF-style: chr2-47800574-G-C. GRCh37 (hg19) VCF-style: chr2-48027713-G-C.
Other names: c.2201G>C, p.Gly734Ala (NM_001281492.2); c.1685G>C, p.Gly562Ala (NM_001281493.2, NM_001281494.2); short protein forms G734A, G562A, G864A.
Identifiers: ClinVar variation 1474774 (VCV001474774.9), dbSNP rs587781306, ClinGen allele CA346754863.